The following is an entry in ClinVar:

ClinVar aggregate classification (germline): Uncertain significance. Review status: criteria provided, multiple submitters, no conflicts (2 of 4 stars). 2 submissions from 2 submitters: Uncertain significance (2). Last evaluated 2024-08-29.

Allele frequency attached by ClinVar (database versions not stated): gnomAD exomes 0.00001; TOPMed 0.00001; gnomAD 0.00002.
gnomAD v4.1: 17 of 1,612,942 alleles (0.0011%); highest among the groups gnomAD compares: Middle Eastern, 0.018%; no homozygotes.

Submissions (2):

Ambry Genetics
Classification: Uncertain significance. Last evaluated: 2024-08-29. Review status: criteria provided, single submitter. Criteria: Ambry Variant Classification Scheme 2023. Collection method: clinical testing. Allele origin: germline.

Labcorp Genetics (formerly Invitae), Labcorp
Classification: Uncertain significance. Last evaluated: 2021-12-24. Review status: criteria provided, single submitter. Criteria: Invitae Variant Classification Sherloc (09022015). Collection method: clinical testing. Allele origin: germline.
Comment: This sequence change replaces arginine, which is basic and polar, with histidine, which is basic and polar, at codon 308 of the LOXL3 protein (p.Arg308His). The frequency data for this variant in the population databases is considered unreliable, as metrics indicate poor data quality at this position in the gnomAD database. This variant has not been reported in the literature in individuals affected with LOXL3-related conditions. Algorithms developed to predict the effect of missense changes on protein structure and function (SIFT, PolyPhen-2, Align-GVGD) all suggest that this variant is likely to be disruptive. In summary, the available evidence is currently insufficient to determine the role of this variant in disease. Therefore, it has been classified as a Variant of Uncertain Significance.

NM_032603.5(LOXL3):c.923G>A (p.Arg308His)

Gene: LOXL3 (lysyl oxidase like 3; minus strand). Cytogenetic location: 2p13.1.
Variant type: single nucleotide variant.
Coding change: c.923G>A on transcript NM_032603.5 (MANE Select); coding-DNA position 923, G replaced by A.
Protein change: p.Arg308His; replaces arginine 308 with histidine.
Molecular consequence: missense variant. On other transcripts: 5 prime UTR variant (1).
Genome position (GRCh38, 1-based): chr2:74,536,461, C>T on the plus strand (G>A on the coding strand, the complement: LOXL3 is on the minus strand). VCF-style: chr2-74536461-C-T. GRCh37 (hg19) VCF-style: chr2-74763588-C-T.
Other names: c.488G>A, p.Arg163His (NM_001289164.3); c.-161G>A (NM_001289165.2); c.923G>A (NM_032603.2); short protein forms R163H, R308H.
Identifiers: ClinVar variation 1980479 (VCV001980479.2), dbSNP rs1315777875, ClinGen allele CA347390592.